The following is an entry in ClinVar:

ClinVar aggregate classification (germline): Uncertain significance (1 of 4 stars; one submission).

Allele frequency attached by ClinVar (database versions not stated): ExAC 0.00001.
gnomAD v4.1: 2 of 1,613,790 alleles (0.00012%); highest among the groups gnomAD compares: Non-Finnish European, 0.00017%; no homozygotes.

Submission:

Labcorp Genetics (formerly Invitae), Labcorp
Classification: Uncertain significance. Last evaluated: 2023-09-20. Review status: criteria provided, single submitter. Criteria: Invitae Variant Classification Sherloc (09022015). Collection method: clinical testing. Allele origin: germline.
Comment: This sequence change replaces glutamic acid, which is acidic and polar, with glycine, which is neutral and non-polar, at codon 508 of the AHDC1 protein (p.Glu508Gly). This variant is present in population databases (rs765329004, gnomAD no frequency). This variant has not been reported in the literature in individuals affected with AHDC1-related conditions. ClinVar contains an entry for this variant (Variation ID: 1984841). An algorithm developed to predict the effect of missense changes on protein structure and function (PolyPhen-2) suggests that this variant is likely to be disruptive. In summary, the available evidence is currently insufficient to determine the role of this variant in disease. Therefore, it has been classified as a Variant of Uncertain Significance.

NM_001371928.1(AHDC1):c.1523A>G (p.Glu508Gly)

Gene: AHDC1 (AT-hook DNA binding motif containing 1; minus strand). Cytogenetic location: 1p36.11.
Variant type: single nucleotide variant.
Coding change: c.1523A>G on transcript NM_001371928.1 (MANE Select); coding-DNA position 1523, A replaced by G.
Protein change: p.Glu508Gly; replaces glutamic acid 508 with glycine.
Molecular consequence: missense variant.
Genome position (GRCh38, 1-based): chr1:27,550,593, T>C on the plus strand (A>G on the coding strand, the complement: AHDC1 is on the minus strand). VCF-style: chr1-27550593-T-C. GRCh37 (hg19) VCF-style: chr1-27877104-T-C.
Other names: c.1523A>G, p.Glu508Gly (NM_001029882.3); short protein forms E508G.
Identifiers: ClinVar variation 1984841 (VCV001984841.4), dbSNP rs765329004, ClinGen allele CA715933.